The following is an entry in ClinVar:

ClinVar aggregate classification (germline): Uncertain significance (1 of 4 stars; one submission).

Submission:

GeneDx
Classification: Uncertain significance. Last evaluated: 2025-06-24. Review status: criteria provided, single submitter. Criteria: GeneDx Variant Classification Process June 2021. Collection method: clinical testing. Allele origin: germline. Affected: yes.
Comment: Not observed at significant frequency in large population cohorts (gnomAD); In silico analysis supports that this missense variant has a deleterious effect on protein structure/function; Has not been previously published as pathogenic or benign to our knowledge

NM_145239.3(PRRT2):c.107A>G (p.Gln36Arg)

Genes: MVP-DT (MVP divergent transcript; minus strand), PRRT2 (proline rich transmembrane protein 2; plus strand). Cytogenetic location: 16p11.2.
Variant type: single nucleotide variant.
Coding change: c.107A>G on transcript NM_145239.3 (MANE Select); coding-DNA position 107, A replaced by G.
Protein change: p.Gln36Arg; replaces glutamine 36 with arginine.
Molecular consequence: missense variant.
Genome position (GRCh38, 1-based): chr16:29,813,161, A>G. VCF-style: chr16-29813161-A-G. GRCh37 (hg19) VCF-style: chr16-29824482-A-G.
Other names: c.107A>G, p.Gln36Arg (NM_001256442.2, NM_001256443.2, NM_001438120.1 and 2 more transcripts); short protein forms Q36R.
Identifiers: ClinVar variation 4540190 (VCV004540190.1).
Genomic context (GRCh38, chr16:29,813,161, plus strand): 5'-AGAGTCCCAAGGTTCCAGGCGAAGGGCCTGGCCATTCTGAAGCTGAAACTGGCCCTCCCC[A>G]GGTCCTAGCAGGGGTACCAGACCAGCCAGAGGCCCCGCAGCCAGGTCCAAACACCACTGC-3'
Protein context (NP_660282.2, residues 26-46): GHSEAETGPP[Gln36Arg]VLAGVPDQPE